The following is an entry in ClinVar:

ClinVar aggregate classification (germline): Likely benign (1 of 4 stars; one submission).

Conditions:
Colorectal cancer, susceptibility to, 1. Also called: COLORECTAL ADENOMA AND CANCER, SUSCEPTIBILITY TO; COLORECTAL CANCER, SUSCEPTIBILITY TO, ON CHROMOSOME 9. Identifiers: MedGen C1837315, MONDO:0012132, OMIM 608812.

gnomAD v4.1: 9 of 1,614,060 alleles (0.00056%); highest among the groups gnomAD compares: Non-Finnish European, 0.00076%; no homozygotes.

Submission:

Myriad Genetics, Inc.
Classification: Likely benign for Colorectal cancer, susceptibility to, 1. Last evaluated: 2026-04-22. Review status: criteria provided, single submitter. Criteria: Myriad Autosomal Dominant, Autosomal Recessive and X-Linked Classification Criteria (2023). Collection method: clinical testing. Allele origin: unknown.
Comment: This variant is considered likely benign. This variant is intronic and is not expected to impact mRNA splicing.

NM_024642.5(GALNT12):c.1606-19A>T

Genes: GALNT12 (polypeptide N-acetylgalactosaminyltransferase 12; plus strand), LOC121811712 (Sharpr-MPRA regulatory region 15412; plus strand). Cytogenetic location: 9q22.33.
Variant type: single nucleotide variant.
Coding change: c.1606-19A>T on transcript NM_024642.5 (MANE Select); 19 bases into the intron before coding-DNA position 1606, A replaced by T.
Molecular consequence: intron variant.
Genome position (GRCh38, 1-based): chr9:98,848,933, A>T. VCF-style: chr9-98848933-A-T. GRCh37 (hg19) VCF-style: chr9-101611215-A-T.
Identifiers: ClinVar variation 4876106 (VCV004876106.1).